The following is an entry in ClinVar:

NM_000321.3(RB1):c.34_71del (p.Thr12fs)

Gene: RB1 (RB transcriptional corepressor 1; plus strand). Cytogenetic location: 13q14.2.
Variant type: Deletion.
Coding change: c.34_71del on transcript NM_000321.3 (MANE Select); coding-DNA positions 34 to 71, 38 bases deleted.
Protein change: p.Thr12fs; shifts the reading frame from threonine 12.
Molecular consequence: frameshift variant.
Genome position (GRCh38, 1-based): chr13:48,303,946-48,303,983, 38 bases deleted; deleting any 38 consecutive bases within chr13:48,303,941-48,303,983 gives the same sequence; the c. name uses the placement nearest the transcript's 3' end. GRCh37 (hg19): chr13:48,878,082-48,878,119.
Other names: short protein forms T12fs.
Identifiers: ClinVar variation 1397119 (VCV001397119.7), dbSNP rs2138027150, ClinGen allele CA2573149540.

ClinVar aggregate classification (germline): Pathogenic/Likely pathogenic. Review status: criteria provided, multiple submitters, no conflicts (2 of 4 stars). 2 submissions from 2 submitters: Pathogenic (1); Likely pathogenic (1). Last evaluated 2024-05-20.

Conditions:
Retinoblastoma (RB1). Also called: RETINOBLASTOMA, SOMATIC. Identifiers: Orphanet 790, MedGen C0035335, MeSH D012175, MONDO:0008380, OMIM 180200, HP:0009919. Disease mechanism: loss of function. Inheritance: Both sporadic and heritable forms are tested..

Submissions (2):

Genetic Diagnostic Laboratory, University of Pennsylvania School of Medicine
Classification: Likely pathogenic for Retinoblastoma. Last evaluated: 2024-05-20. Review status: criteria provided, single submitter. Criteria: ACMG Guidelines, 2015. Collection method: clinical testing. Allele origin: germline. Affected: yes. Observed: 1 variant allele.
Comment: Case and Pedigree Information: BILATERAL CASES:0, UNILATERAL CASES:1, TOTAL CASES:1, PEDIGREES:1. ACMG Codes Applied:PVS1, PM2

Labcorp Genetics (formerly Invitae), Labcorp
Classification: Pathogenic for Retinoblastoma. Last evaluated: 2021-03-24. Review status: criteria provided, single submitter. Criteria: Invitae Variant Classification Sherloc (09022015). Collection method: clinical testing. Allele origin: germline.
Comment: The frequency data for this variant in the population databases is considered unreliable, as metrics indicate insufficient coverage at this position in the ExAC database. This sequence change creates a premature translational stop signal (p.Thr12Alafs*6) in the RB1 gene. It is expected to result in an absent or disrupted protein product. Loss-of-function variants in RB1 are known to be pathogenic (PMID: 17096365). This variant has not been reported in the literature in individuals with RB1-related conditions. For these reasons, this variant has been classified as Pathogenic.

Literature cited by the submitters: PubMed 17096365 (cited by Labcorp Genetics (formerly Invitae), Labcorp).